The following is an entry in ClinVar:

ClinVar aggregate classification (germline): Likely benign. Review status: criteria provided, single submitter (1 of 4 stars). 2 submissions from 2 submitters: Likely benign (1). 1 of the submissions does not count toward it. Last evaluated 2023-10-17.

Conditions:
Maple syrup urine disease (MSUD). Identifiers: Orphanet 511, MedGen C0024776, MeSH D008375, MONDO:0009563. Disease mechanism: loss of function.
DBT-related disorder. Also called: DBT-related condition.

Submissions (2):

Labcorp Genetics (formerly Invitae), Labcorp
Classification: Likely benign for Maple syrup urine disease. Last evaluated: 2023-10-17. Review status: criteria provided, single submitter. Criteria: Invitae Variant Classification Sherloc (09022015). Collection method: clinical testing. Allele origin: germline.

PreventionGenetics, part of Exact Sciences
Classification: Likely benign for DBT-related condition. Last evaluated: 2021-06-11. Review status: no assertion criteria provided. Collection method: clinical testing. Allele origin: germline. Not counted in ClinVar's aggregate classification.
Comment: This variant is classified as likely benign based on ACMG/AMP sequence variant interpretation guidelines (Richards et al. 2015 PMID: 25741868, with internal and published modifications).

NM_001918.5(DBT):c.1282-16T>A

Gene: DBT (dihydrolipoamide branched chain transacylase E2; minus strand). Cytogenetic location: 1p21.2.
Variant type: single nucleotide variant.
Coding change: c.1282-16T>A on transcript NM_001918.5 (MANE Select); 16 bases into the intron before coding-DNA position 1282, T replaced by A.
Molecular consequence: intron variant.
Genome position (GRCh38, 1-based): chr1:100,196,438, A>T on the plus strand (T>A on the coding strand, the complement: DBT is on the minus strand). VCF-style: chr1-100196438-A-T. GRCh37 (hg19) VCF-style: chr1-100661994-A-T.
Other names: c.739-16T>A (NM_001399972.1, NM_001399969.1); c.1282-16T>A (NM_001918.3).
Identifiers: ClinVar variation 2732106 (VCV002732106.5), dbSNP rs751339430, ClinGen allele CA2574446575.